The following is an entry in ClinVar:

NM_000186.4(CFH):c.3355G>A (p.Asp1119Asn)

Gene: CFH (complement factor H; plus strand). Cytogenetic location: 1q31.3.
Variant type: single nucleotide variant.
Coding change: c.3355G>A on transcript NM_000186.4 (MANE Select); coding-DNA position 3355, G replaced by A.
Protein change: p.Asp1119Asn; replaces aspartic acid 1119 with asparagine.
Molecular consequence: missense variant.
Genome position (GRCh38, 1-based): chr1:196,745,861, G>A. VCF-style: chr1-196745861-G-A. GRCh37 (hg19) VCF-style: chr1-196714991-G-A.
Other names: p.Asp1119Asn; short protein forms D1119N.
Identifiers: ClinVar variation 4291559 (VCV004291559.3).
Genomic context (GRCh38, chr1:196,745,861, plus strand): 5'-AAATGATGTTTTTTAGATTCTACAGGAAAATGTGGGCCCCCTCCACCTATTGACAATGGG[G>A]ACATTACTTCATTCCCGTTGTCAGTATATGCTCCAGCTTCATCAGTTGAGTACCAATGCC-3'
Protein context (NP_000177.2, residues 1109-1129): CGPPPPIDNG[Asp1119Asn]ITSFPLSVYA

ClinVar aggregate classification (germline): Conflicting classifications of pathogenicity. Review status: criteria provided, conflicting classifications (1 of 4 stars). 2 submissions from 2 submitters: Likely pathogenic (1); Uncertain significance (1). Last evaluated 2026-09-17.

Conditions:
Atypical hemolytic-uremic syndrome. Identifiers: Orphanet 2134, MedGen C2931788, MONDO:0016244.

Submissions (2):

Genomenon, Inc
Classification: Uncertain significance for Atypical hemolytic-uremic syndrome. Last evaluated: 2026-09-17. Review status: criteria provided, single submitter. Criteria: Genomenon Sequence Variant Interpretation Standards - Updated. Collection method: curation. Allele origin: germline. Affected: yes.
Comment: CFH p.Asp1119Asn (c.3355G>A) is a missense variant that changes the amino acid at codon 1119 from aspartic acid to asparagine. This variant has been observed in at least one proband affected with atypical hemolytic-uremic syndrome (PMID: 22890512; 28941939). Functional studies have been reported (PMID: 28941939; 34189567). It is absent or not present at a significant frequency in gnomAD. In conclusion, we classify CFH p.Asp1119Asn (c.3355G>A) as a variant of uncertain significance.

Mayo Clinic Laboratories, Mayo Clinic
Classification: Likely pathogenic. Last evaluated: 2025-09-14. Review status: criteria provided, single submitter. Criteria: ACMG Guidelines, 2015. Collection method: clinical testing. Allele origin: germline. Observed: 2 variant alleles.
Comment: PM2_supporting, PM5, PS3, PS4_moderate

Literature cited by the submitters: PubMed 22890512 (cited by Genomenon, Inc); PubMed 28941939 (cited by Genomenon, Inc and Mayo Clinic Laboratories, Mayo Clinic); PubMed 34189567 (cited by Genomenon, Inc and Mayo Clinic Laboratories, Mayo Clinic); PubMed 21317894 (cited by Mayo Clinic Laboratories, Mayo Clinic); PubMed 23431077 (cited by Mayo Clinic Laboratories, Mayo Clinic); PubMed 28637873 (cited by Mayo Clinic Laboratories, Mayo Clinic).